The following is an entry in ClinVar:

NM_000179.3(MSH6):c.1888G>A (p.Ala630Thr)

Gene: MSH6 (mutS homolog 6; plus strand). Cytogenetic location: 2p16.3.
Variant type: single nucleotide variant.
Coding change: c.1888G>A on transcript NM_000179.3 (MANE Select); coding-DNA position 1888, G replaced by A.
Protein change: p.Ala630Thr; replaces alanine 630 with threonine.
Molecular consequence: missense variant.
Genome position (GRCh38, 1-based): chr2:47,799,871, G>A. VCF-style: chr2-47799871-G-A. GRCh37 (hg19) VCF-style: chr2-48027010-G-A.
Other names: c.1591G>A, p.Ala531Thr (NM_001406824.1, NM_001406825.1, NM_001406830.1 and 10 more transcripts); c.982G>A, p.Ala328Thr (NM_001406829.1, NM_001281493.2, NM_001281494.2 and 6 more transcripts); c.1720G>A, p.Ala574Thr (NM_001406826.1); c.1498G>A, p.Ala500Thr (NM_001281492.2); c.1984G>A, p.Ala662Thr (NM_001406795.1, NM_001406802.1); c.1888G>A, p.Ala630Thr (NM_001406796.1, NM_001406798.1, NM_001406800.1 and 3 more transcripts); c.1363G>A, p.Ala455Thr (NM_001406799.1, NM_001406806.1, NM_001406807.1); c.1810G>A, p.Ala604Thr (NM_001406804.1); and 1 more; short protein forms A531T, A574T, A328T, A662T, A500T, A604T, A630T, A632T.
Identifiers: ClinVar variation 1782015 (VCV001782015.2), dbSNP rs1572724808, ClinGen allele CA346750026.

ClinVar aggregate classification (germline): Uncertain significance (1 of 4 stars; one submission).

Conditions:
Hereditary cancer-predisposing syndrome. Also called: Neoplastic Syndromes, Hereditary; Tumor predisposition; Hereditary Cancer Syndrome; Hereditary neoplastic syndrome. Identifiers: Orphanet 140162, MedGen C0027672, MeSH D009386, MONDO:0015356.

Submission:

Ambry Genetics
Classification: Uncertain significance for Hereditary cancer-predisposing syndrome. Last evaluated: 2022-05-23. Review status: criteria provided, single submitter. Criteria: Ambry Variant Classification Scheme 2023. Collection method: clinical testing. Allele origin: germline.
Comment: The p.A630T variant (also known as c.1888G>A), located in coding exon 4 of the MSH6 gene, results from a G to A substitution at nucleotide position 1888. The alanine at codon 630 is replaced by threonine, an amino acid with similar properties. This amino acid position is highly conserved in available vertebrate species. In addition, this alteration is predicted to be deleterious by in silico analysis. Since supporting evidence is limited at this time, the clinical significance of this alteration remains unclear.